The following is an entry in ClinVar:

NM_007327.4(GRIN1):c.514G>C (p.Glu172Gln)

Gene: GRIN1 (glutamate ionotropic receptor NMDA type subunit 1; plus strand). Cytogenetic location: 9q34.3.
Variant type: single nucleotide variant.
Coding change: c.514G>C on transcript NM_007327.4 (MANE Select); coding-DNA position 514, G replaced by C.
Protein change: p.Glu172Gln; replaces glutamic acid 172 with glutamine.
Molecular consequence: missense variant.
Genome position (GRCh38, 1-based): chr9:137,145,846, G>C. VCF-style: chr9-137145846-G-C. GRCh37 (hg19) VCF-style: chr9-140040298-G-C.
Other names: c.514G>C, p.Glu172Gln (NM_000832.7, NM_001185090.2, NM_001185091.2 and 1 more transcripts); short protein forms E172Q.
Identifiers: ClinVar variation 3657957 (VCV003657957.2).
Genomic context (GRCh38, chr9:137,145,846, plus strand): 5'-TTTGAGATGATGCGTGTCTACAGCTGGAACCACATCATCCTGCTGGTCAGCGACGACCAC[G>C]AGGGCCGGGCGGCTCAGAAACGCCTGGAGACGCTGCTGGAGGAGCGTGAGTCCAAGGTGA-3'
Protein context (NP_015566.1, residues 162-182): HIILLVSDDH[Glu172Gln]GRAAQKRLET

ClinVar aggregate classification (germline): Uncertain significance (1 of 4 stars; one submission).

Conditions:
Neurodevelopmental disorder with or without hyperkinetic movements and seizures, autosomal dominant. Also called: Intellectual disability, autosomal dominant 8. Identifiers: MedGen C3280282, MONDO:0013655, OMIM 614254.

gnomAD v4.1: 1 of 1,611,832 alleles (0.000062%); highest among the groups gnomAD compares: Non-Finnish European, 0.000085%; no homozygotes.

Submission:

Labcorp Genetics (formerly Invitae), Labcorp
Classification: Uncertain significance for Neurodevelopmental disorder with or without hyperkinetic movements and seizures, autosomal dominant. Last evaluated: 2024-06-26. Review status: criteria provided, single submitter. Criteria: Invitae Variant Classification Sherloc (09022015). Collection method: clinical testing. Allele origin: germline.
Comment: This sequence change replaces glutamic acid, which is acidic and polar, with glutamine, which is neutral and polar, at codon 172 of the GRIN1 protein (p.Glu172Gln). This variant is not present in population databases (gnomAD no frequency). This variant has not been reported in the literature in individuals affected with GRIN1-related conditions. Advanced modeling of protein sequence and biophysical properties (such as structural, functional, and spatial information, amino acid conservation, physicochemical variation, residue mobility, and thermodynamic stability) has been performed at Invitae for this missense variant, however the output from this modeling did not meet the statistical confidence thresholds required to predict the impact of this variant on GRIN1 protein function. This variant disrupts the p.Glu172 amino acid residue in GRIN1. Other variant(s) that disrupt this residue have been determined to be pathogenic (Invitae). This suggests that this residue is clinically significant, and that variants that disrupt this residue are likely to be disease-causing. In summary, the available evidence is currently insufficient to determine the role of this variant in disease. Therefore, it has been classified as a Variant of Uncertain Significance.